The following is an entry in ClinVar:

NM_014112.5(TRPS1):c.2927_2931del (p.Leu976fs)

Gene: TRPS1 (transcriptional repressor GATA binding 1; minus strand). Cytogenetic location: 8q23.3.
Variant type: Deletion.
Coding change: c.2927_2931del on transcript NM_014112.5 (MANE Select); coding-DNA positions 2927 to 2931, 5 bases deleted (TCAAC; older notation c.2927_2931delTCAAC).
Protein change: p.Leu976fs; shifts the reading frame from leucine 976.
Molecular consequence: frameshift variant.
Genome position (GRCh38, 1-based): chr8:115,414,977-115,414,981, GTTGA deleted on the plus strand (TCAAC on the coding strand, the reverse complement: TRPS1 is on the minus strand); deleting any 5 consecutive bases within chr8:115,414,977-115,414,982 gives the same sequence; the c. name uses the placement nearest the transcript's 3' end. VCF-style (leftmost placement, unchanged base first): chr8-115414976-TGTTGA-T. GRCh37 (hg19) VCF-style: chr8-116427204-TGTTGA-T.
Other names: c.2900_2904del, p.Leu967fs (NM_001282902.3); c.2906_2910del, p.Leu969fs (NM_001282903.3); c.2888_2892del, p.Leu963fs (NM_001330599.2); short protein forms L963fs, L967fs, L969fs, L976fs.
Identifiers: ClinVar variation 1699345 (VCV001699345.3), dbSNP rs2129751330, ClinGen allele CA2573130289.
Genomic context (GRCh38, chr8:115,414,976, plus strand): 5'-CTGACCTCCTCTCTAACGGGCTTCCATTGACTTGCTCCTCATTGCTGCCCCTCTGCTGTT[TGTTGA>T]GCTGCTCAGCCTGAAGTGCCTCTGGGTTAAGGCGCTTTCTTGTTCTCCTCCTAATAATCT-3'

ClinVar aggregate classification (germline): Pathogenic (1 of 4 stars; one submission).

Conditions:
Trichorhinophalangeal dysplasia type I (TRPS1). Also called: TRICHORHINOPHALANGEAL SYNDROME, TYPE I; TRPS I. Identifiers: Orphanet 77258, MedGen C0432233, MONDO:0008596, OMIM 190350.

Submission:

Victorian Clinical Genetics Services, Murdoch Childrens Research Institute
Classification: Pathogenic for Trichorhinophalangeal dysplasia type I. Last evaluated: 2022-06-24. Review status: criteria provided, single submitter. Criteria: ACMG Guidelines, 2015. Collection method: clinical testing. Allele origin: germline. Inheritance: Autosomal dominant inheritance. Affected: yes.
Comment: Based on the classification scheme VCGS_Germline_v1.3.4, this variant is classified as Pathogenic. Following criteria are met: 0102 - Loss of function is a known mechanism of disease in this gene and is associated with trichorhinophalangeal syndrome, type I (MIM#190350). (I) 0107 - This gene is associated with autosomal dominant disease. (I) 0205 - Variant is predicted to result in a truncated protein (premature termination codon is NOT located at least 54 nucleotides upstream of the final exon-exon junction) with less than 1/3 of the protein sequence affected. (SP) 0251 - This variant is heterozygous. (I) 0301 - Variant is absent from gnomAD (both v2 and v3). (SP) 0701 - Other downstream truncating variants comparable to the one identified in this case have very strong previous evidence for pathogenicity (DECIPHER). (SP) 0807 - This variant has no previous evidence of pathogenicity. (I) 0905 - No published segregation evidence has been identified for this variant. (I) 1007 - No published functional evidence has been identified for this variant. (I) 1208 - Inheritance information for this variant is not currently available in this individual. (I) Legend: (SP) - Supporting pathogenic, (I) - Information, (SB) - Supporting benign